The following is an entry in ClinVar:

ClinVar aggregate classification (germline): Uncertain significance. Review status: criteria provided, multiple submitters, no conflicts (2 of 4 stars). 2 submissions from 2 submitters: Uncertain significance (2). Last evaluated 2025-10-01.

Conditions:
Progressive microcephaly-seizures-cortical blindness-developmental delay syndrome. Also called: Seizures, cortical blindness, and microcephaly syndrome. Identifiers: Orphanet 477814, MedGen C5567650, MONDO:0014714, OMIM 616632.
Autosomal dominant nonsyndromic hearing loss 1. Also called: KONIGSMARK SYNDROME; DEAFNESS, AUTOSOMAL DOMINANT 1, WITH OR WITHOUT THROMBOCYTOPENIA. Identifiers: Orphanet 90635, MedGen C1852282, MONDO:0007424, OMIM 124900.
Inborn genetic diseases. Identifiers: MedGen C0950123, MeSH D030342.

Allele frequency attached by ClinVar (database versions not stated): gnomAD exomes below 0.00001; ExAC 0.00001.
gnomAD v4.1: 1 of 1,614,050 alleles (0.000062%); highest among the groups gnomAD compares: Admixed American, 0.0017%; no homozygotes.

Submissions (2):

Labcorp Genetics (formerly Invitae), Labcorp
Classification: Uncertain significance for Progressive microcephaly-seizures-cortical blindness-developmental delay syndrome; Autosomal dominant nonsyndromic hearing loss 1. Last evaluated: 2025-10-01. Review status: criteria provided, single submitter. Criteria: Invitae Variant Classification Sherloc (09022015). Collection method: clinical testing. Allele origin: germline.
Comment: This sequence change replaces serine, which is neutral and polar, with phenylalanine, which is neutral and non-polar, at codon 373 of the DIAPH1 protein (p.Ser373Phe). This variant is present in population databases (rs760368627, gnomAD 0.003%). This variant has not been reported in the literature in individuals affected with DIAPH1-related conditions. ClinVar contains an entry for this variant (Variation ID: 2938050). An algorithm developed to predict the effect of missense changes on protein structure and function outputs the following: PolyPhen-2: "Not Available". The phenylalanine amino acid residue is found in multiple mammalian species, which suggests that this missense change does not adversely affect protein function. In summary, the available evidence is currently insufficient to determine the role of this variant in disease. Therefore, it has been classified as a Variant of Uncertain Significance.

Ambry Genetics
Classification: Uncertain significance for Inborn genetic diseases. Last evaluated: 2025-05-13. Review status: criteria provided, single submitter. Criteria: Ambry Variant Classification Scheme 2023. Collection method: clinical testing. Allele origin: germline.

NM_005219.5(DIAPH1):c.1118C>T (p.Ser373Phe)

Gene: DIAPH1 (diaphanous related formin 1; minus strand). Cytogenetic location: 5q31.3.
Variant type: single nucleotide variant.
Coding change: c.1118C>T on transcript NM_005219.5 (MANE Select); coding-DNA position 1118, C replaced by T.
Protein change: p.Ser373Phe; replaces serine 373 with phenylalanine.
Molecular consequence: missense variant.
Genome position (GRCh38, 1-based): chr5:141,578,270, G>A on the plus strand (C>T on the coding strand, the complement: DIAPH1 is on the minus strand). VCF-style: chr5-141578270-G-A. GRCh37 (hg19) VCF-style: chr5-140957837-G-A.
Other names: c.1118C>T (NM_005219.4); c.1091C>T, p.Ser364Phe (NM_001079812.3); c.1118C>T, p.Ser373Phe (NM_001314007.2); short protein forms S364F, S373F.
Identifiers: ClinVar variation 2938050 (VCV002938050.4), dbSNP rs760368627, ClinGen allele CA3479386.
Genomic context (GRCh38, chr5:141,578,270, plus strand): 5'-TCAGCAAAAGGATATTCCATCTCCATGCGAATGTCATCCAGCCGTCCCTTCAGGTCATAG[G>A]AATCCTCTTCCCCTTGTTCATCAAACACATTTAGTTGCACTCTCATATCTTCATTTTCAA-3'
Protein context (NP_005210.3, residues 363-383): NVFDEQGEED[Ser373Phe]YDLKGRLDDI